The following is an entry in ClinVar:

NM_001110556.2(FLNA):c.1135G>A (p.Gly379Ser)

Gene: FLNA (filamin A; minus strand). Cytogenetic location: Xq28.
Variant type: single nucleotide variant.
Coding change: c.1135G>A on transcript NM_001110556.2 (MANE Select); coding-DNA position 1135, G replaced by A.
Protein change: p.Gly379Ser; replaces glycine 379 with serine.
Molecular consequence: missense variant.
Genome position (GRCh38, 1-based): chrX:154,366,401, C>T on the plus strand (G>A on the coding strand, the complement: FLNA is on the minus strand). VCF-style: chrX-154366401-C-T. GRCh37 (hg19) VCF-style: chrX-153594769-C-T.
Other names: c.1135G>A, p.Gly379Ser (NM_001456.4); short protein forms G379S.
Identifiers: ClinVar variation 3895583 (VCV003895583.2).

ClinVar aggregate classification (germline): Uncertain significance. Review status: criteria provided, multiple submitters, no conflicts (2 of 4 stars). 2 submissions from 2 submitters: Uncertain significance (2). Last evaluated 2025-09-08.

Conditions:
Oto-palato-digital syndrome, type II (OPD2). Also called: Otopalatodigital Syndrome Type 2 (FLNA-OPD2); FACIOPALATOOSSEOUS SYNDROME; OPD II SYNDROME; Otopalatodigital Syndrome, Type II. Identifiers: Orphanet 669, Orphanet 90652, MedGen C1844696, MONDO:0010571, OMIM 304120.
Heterotopia, periventricular, X-linked dominant (PVNH1). Also called: PERIVENTRICULAR NODULAR HETEROTOPIA 1; X-linked periventricular heterotopia; PERIVENTRICULAR NODULAR HETEROTOPIA 4; HETEROTOPIA, PERIVENTRICULAR, 1. Identifiers: Orphanet 2149, Orphanet 82004, MedGen C1848213, MONDO:0010233, OMIM 300049.
Melnick-Needles syndrome (MNS). Also called: Melnick-Needles Syndrome (FLNA-MNS); MELNICK-NEEDLES OSTEODYSPLASTY; OSTEODYSPLASTY OF MELNICK AND NEEDLES. Identifiers: Orphanet 2484, MedGen C0025237, MONDO:0010650, OMIM 309350.
Frontometaphyseal dysplasia (FMD1). Identifiers: Orphanet 1826, MedGen C0265293, MONDO:0015942.

Submissions (2):

Labcorp Genetics (formerly Invitae), Labcorp
Classification: Uncertain significance for Oto-palato-digital syndrome, type II; Heterotopia, periventricular, X-linked dominant; Frontometaphyseal dysplasia; Melnick-Needles syndrome. Last evaluated: 2025-09-08. Review status: criteria provided, single submitter. Criteria: Invitae Variant Classification Sherloc (09022015). Collection method: clinical testing. Allele origin: germline.
Comment: This sequence change replaces glycine, which is neutral and non-polar, with serine, which is neutral and polar, at codon 379 of the FLNA protein (p.Gly379Ser). This variant is not present in population databases (gnomAD no frequency). This variant has not been reported in the literature in individuals affected with FLNA-related conditions. ClinVar contains an entry for this variant (Variation ID: 3895583). Invitae Evidence Modeling of protein sequence and biophysical properties (such as structural, functional, and spatial information, amino acid conservation, physicochemical variation, residue mobility, and thermodynamic stability) indicates that this missense variant is not expected to disrupt FLNA protein function with a negative predictive value of 95%. In summary, the available evidence is currently insufficient to determine the role of this variant in disease. Therefore, it has been classified as a Variant of Uncertain Significance.

Women's Health and Genetics/Laboratory Corporation of America, LabCorp
Classification: Uncertain significance. Last evaluated: 2025-03-17. Review status: criteria provided, single submitter. Criteria: LabCorp Variant Classification Summary - May 2015. Collection method: clinical testing. Allele origin: germline.
Comment: Variant summary: FLNA c.1135G>A (p.Gly379Ser) results in a non-conservative amino acid change in the encoded protein sequence. Four of five in-silico tools predict a damaging effect of the variant on protein function. The variant was absent in 181452 control chromosomes. The available data on variant occurrences in the general population are insufficient to allow any conclusion about variant significance. To our knowledge, no occurrence of c.1135G>A in individuals affected with Periventricular Nodular Heterotopia 1 and no experimental evidence demonstrating its impact on protein function have been reported. No submitters have cited clinical-significance assessments for this variant to ClinVar. Based on the evidence outlined above, the variant was classified as uncertain significance.